The following is an entry in ClinVar:

ClinVar aggregate classification (germline): Uncertain significance (1 of 4 stars; one submission).

Conditions:
Inborn genetic diseases. Identifiers: MedGen C0950123, MeSH D030342.

Submission:

Ambry Genetics
Classification: Uncertain significance for Inborn genetic diseases. Last evaluated: 2025-04-06. Review status: criteria provided, single submitter. Criteria: Ambry Variant Classification Scheme 2023. Collection method: clinical testing. Allele origin: germline.
Comment: The p.P1151L variant (also known as c.3452C>T), located in coding exon 20 of the RECQL4 gene, results from a C to T substitution at nucleotide position 3452. The proline at codon 1151 is replaced by leucine, an amino acid with similar properties. This amino acid position is conserved. In addition, this alteration is predicted to be tolerated by in silico analysis. Based on the available evidence, the clinical significance of this variant remains unclear.

NM_004260.4(RECQL4):c.3452C>T (p.Pro1151Leu)

Gene: RECQL4 (RecQ like helicase 4; minus strand). Cytogenetic location: 8q24.3.
Variant type: single nucleotide variant.
Coding change: c.3452C>T on transcript NM_004260.4 (MANE Select); coding-DNA position 3452, C replaced by T.
Protein change: p.Pro1151Leu; replaces proline 1151 with leucine.
Molecular consequence: missense variant. On other transcripts: non-coding transcript variant (3).
Genome position (GRCh38, 1-based): chr8:144,511,731, G>A on the plus strand (C>T on the coding strand, the complement: RECQL4 is on the minus strand). VCF-style: chr8-144511731-G-A. GRCh37 (hg19) VCF-style: chr8-145737114-G-A.
Other names: c.3158C>T, p.Pro1053Leu (NM_001413017.1); c.3254C>T, p.Pro1085Leu (NM_001413018.1); c.3527C>T, p.Pro1176Leu (NM_001413019.1); c.3356C>T, p.Pro1119Leu (NM_001413020.1); c.2381C>T, p.Pro794Leu (NM_001413021.1, NM_001413022.1, NM_001413024.1 and 4 more transcripts); c.2456C>T, p.Pro819Leu (NM_001413023.1); c.3323C>T, p.Pro1108Leu (NM_001413025.1); c.2315C>T, p.Pro772Leu (NM_001413027.1, NM_001413030.1, NM_001413032.1); and 9 more; short protein forms P1085L, P1108L, P1141L, P772L, P819L, P1119L, P1176L, P662L.
Identifiers: ClinVar variation 3944269 (VCV003944269.1).
Genomic context (GRCh38, chr8:144,511,731, plus strand): 5'-CAGGCCTCACCGATGCCGTGGAAGATGCGGGCCACAGCCCTGCTGGAGAACTTCTCCTCT[G>A]GCCTCAGGGACAGGAACTGGCGGATGTCGCAGCGGACCTGGTCCTCCCAATCCTGGAGCT-3'
Protein context (NP_004251.4, residues 1141-1161): CDIRQFLSLR[Pro1151Leu]EEKFSSRAVA